The following is an entry in ClinVar:

ClinVar aggregate classification (germline): Conflicting classifications of pathogenicity. Review status: criteria provided, conflicting classifications (1 of 4 stars). 2 submissions from 2 submitters: Pathogenic (1); Uncertain significance (1). Last evaluated 2025-12-09.

Conditions:
Smith-Lemli-Opitz syndrome (SLOS). Also called: POLYDACTYLY, SEX REVERSAL, RENAL HYPOPLASIA, AND UNILOBAR LUNG; RSH SYNDROME; RUTLEDGE LETHAL MULTIPLE CONGENITAL ANOMALY SYNDROME; LETHAL ACRODYSGENITAL SYNDROME; 7-Dehydrocholesterol reductase deficiency. Identifiers: Orphanet 818, MedGen C0175694, MONDO:0010035, OMIM 270400.

Allele frequency attached by ClinVar (database versions not stated): TOPMed 0.00001.
gnomAD v4.1: 7 of 1,612,920 alleles (0.00043%); highest among the groups gnomAD compares: Non-Finnish European, 0.00059%; no homozygotes.

Submissions (2):

Labcorp Genetics (formerly Invitae), Labcorp
Classification: Pathogenic for Smith-Lemli-Opitz syndrome. Last evaluated: 2025-12-09. Review status: criteria provided, single submitter. Criteria: Invitae Variant Classification Sherloc (09022015). Collection method: clinical testing. Allele origin: germline.
Comment: This sequence change replaces phenylalanine, which is neutral and non-polar, with leucine, which is neutral and non-polar, at codon 361 of the DHCR7 protein (p.Phe361Leu). This variant is not present in population databases (gnomAD no frequency). This missense change has been observed in individual(s) with Smith-Lemli-Opitz syndrome (PMID: 23790112). In at least one individual the data is consistent with being in trans (on the opposite chromosome) from a pathogenic variant. ClinVar contains an entry for this variant (Variation ID: 1455459). Invitae Evidence Modeling of protein sequence and biophysical properties (such as structural, functional, and spatial information, amino acid conservation, physicochemical variation, residue mobility, and thermodynamic stability) has been performed for this missense variant. However, the output from this modeling did not meet the statistical confidence thresholds required to predict the impact of this variant on DHCR7 protein function. For these reasons, this variant has been classified as Pathogenic.

Women's Health and Genetics/Laboratory Corporation of America, LabCorp
Classification: Uncertain significance. Last evaluated: 2025-10-01. Review status: criteria provided, single submitter. Criteria: LabCorp Variant Classification Summary - May 2015. Collection method: clinical testing. Allele origin: germline.
Comment: Variant summary: DHCR7 c.1083C>G (p.Phe361Leu) results in a non-conservative amino acid change in the encoded protein sequence. Algorithms developed to predict the effect of missense changes on protein structure and function all suggest that this variant is likely to be disruptive. The variant was absent in 248976 control chromosomes. The available data on variant occurrences in the general population are insufficient to allow any conclusion about variant significance. c.1083C>G has been observed in an individual affected with Smith-Lemli-Opitz Syndrome (Ellingson_2014). These data do not allow any conclusion about variant significance. To our knowledge, no experimental evidence demonstrating an impact on protein function has been reported. The following publication has been ascertained in the context of this evaluation (PMID: 23790112). ClinVar contains an entry for this variant (Variation ID: 1455459). Based on the evidence outlined above, the variant was classified as uncertain significance.

Literature cited by the submitters: PubMed 23790112 (cited by Labcorp Genetics (formerly Invitae), Labcorp and Women's Health and Genetics/Laboratory Corporation of America, LabCorp).

NM_001360.3(DHCR7):c.1083C>G (p.Phe361Leu)

Gene: DHCR7 (7-dehydrocholesterol reductase; minus strand). Cytogenetic location: 11q13.4.
Variant type: single nucleotide variant.
Coding change: c.1083C>G on transcript NM_001360.3 (MANE Select); coding-DNA position 1083, C replaced by G.
Protein change: p.Phe361Leu; replaces phenylalanine 361 with leucine.
Molecular consequence: missense variant.
Genome position (GRCh38, 1-based): chr11:71,435,720, G>C on the plus strand (C>G on the coding strand, the complement: DHCR7 is on the minus strand). VCF-style: chr11-71435720-G-C. GRCh37 (hg19) VCF-style: chr11-71146766-G-C.
Other names: c.1083C>G, p.Phe361Leu (NM_001163817.2); short protein forms F361L.
Identifiers: ClinVar variation 1455459 (VCV001455459.9), dbSNP rs780088227, ClinGen allele CA381702110.